The following is an entry in ClinVar:

NM_001009944.3(PKD1):c.12589C>A (p.Leu4197Met)

Gene: PKD1 (polycystin 1, transient receptor potential channel interacting; minus strand). Cytogenetic location: 16p13.3.
Variant type: single nucleotide variant.
Coding change: c.12589C>A on transcript NM_001009944.3 (MANE Select); coding-DNA position 12589, C replaced by A.
Protein change: p.Leu4197Met; replaces leucine 4197 with methionine.
Molecular consequence: missense variant.
Genome position (GRCh38, 1-based): chr16:2,090,050, G>T on the plus strand (C>A on the coding strand, the complement: PKD1 is on the minus strand). VCF-style: chr16-2090050-G-T. GRCh37 (hg19) VCF-style: chr16-2140051-G-T.
Other names: c.12586C>A, p.Leu4196Met (NM_000296.4); short protein forms L4196M, L4197M.
Identifiers: ClinVar variation 3907183 (VCV003907183.1).

ClinVar aggregate classification (germline): Uncertain significance (1 of 4 stars; one submission).

Submission:

Women's Health and Genetics/Laboratory Corporation of America, LabCorp
Classification: Uncertain significance. Last evaluated: 2025-06-12. Review status: criteria provided, single submitter. Criteria: LabCorp Variant Classification Summary - May 2015. Collection method: clinical testing. Allele origin: germline.
Comment: Variant summary: PKD1 c.12589C>A (p.Leu4197Met) results in a conservative amino acid change in the encoded protein sequence. Algorithms developed to predict the effect of missense changes on protein structure and function all suggest that this variant is likely to be tolerated. The variant was absent in 244118 control chromosomes. The available data on variant occurrences in the general population are insufficient to allow any conclusion about variant significance. To our knowledge, no occurrence of c.12589C>A in individuals affected with PKD1-Biallelic Autosomal Recessive Polycystic Kidney Disease and no experimental evidence demonstrating its impact on protein function have been reported. No submitters have cited clinical-significance assessments for this variant to ClinVar. Based on the evidence outlined above, the variant was classified as uncertain significance.